The following is an entry in ClinVar:

ClinVar aggregate classification (germline): Uncertain significance. Review status: criteria provided, multiple submitters, no conflicts (2 of 4 stars). 4 submissions from 4 submitters: Uncertain significance (3). 1 of the submissions does not count toward it. Last evaluated 2024-09-08.

Conditions:
Inborn genetic diseases. Identifiers: MedGen C0950123, MeSH D030342.
TCF20-related disorder. Also called: TCF20-related condition.

Allele frequency attached by ClinVar (database versions not stated): gnomAD exomes below 0.00001; ExAC 0.00001; gnomAD 0.00001; TOPMed 0.00001.
gnomAD v4.1: 3 of 1,614,056 alleles (0.00019%); highest among the groups gnomAD compares: Admixed American, 0.0017%; no homozygotes.

Submissions (4):

Ambry Genetics
Classification: Uncertain significance for Inborn genetic diseases. Last evaluated: 2024-09-08. Review status: criteria provided, single submitter. Criteria: Ambry Variant Classification Scheme 2023. Collection method: clinical testing. Allele origin: germline.

Labcorp Genetics (formerly Invitae), Labcorp
Classification: Uncertain significance. Last evaluated: 2023-04-23. Review status: criteria provided, single submitter. Criteria: Invitae Variant Classification Sherloc (09022015). Collection method: clinical testing. Allele origin: germline.
Comment: An algorithm developed to predict the effect of missense changes on protein structure and function (PolyPhen-2) suggests that this variant is likely to be tolerated. In summary, the available evidence is currently insufficient to determine the role of this variant in disease. Therefore, it has been classified as a Variant of Uncertain Significance. This sequence change replaces alanine, which is neutral and non-polar, with threonine, which is neutral and polar, at codon 688 of the TCF20 protein (p.Ala688Thr). This variant is present in population databases (rs755315170, gnomAD 0.0009%). This variant has not been reported in the literature in individuals affected with TCF20-related conditions.

Blueprint Genetics
Classification: Uncertain significance. Last evaluated: 2022-03-07. Review status: criteria provided, single submitter. Criteria: ACMG Guidelines, 2015. Collection method: clinical testing. Allele origin: germline.

PreventionGenetics, part of Exact Sciences
Classification: Uncertain significance for TCF20-related condition. Last evaluated: 2023-12-26. Review status: no assertion criteria provided. Collection method: clinical testing. Allele origin: germline. Not counted in ClinVar's aggregate classification.
Comment: The TCF20 c.2062G>A variant is predicted to result in the amino acid substitution p.Ala688Thr. To our knowledge, this variant has not been reported in the literature. This variant is reported in 0.00088% of alleles in individuals of European (Non-Finnish) descent in gnomAD. At this time, the clinical significance of this variant is uncertain due to the absence of conclusive functional and genetic evidence.

NM_001378418.1(TCF20):c.2062G>A (p.Ala688Thr)

Gene: TCF20 (transcription factor 20; minus strand). Cytogenetic location: 22q13.2.
Variant type: single nucleotide variant.
Coding change: c.2062G>A on transcript NM_001378418.1 (MANE Select); coding-DNA position 2062, G replaced by A.
Protein change: p.Ala688Thr; replaces alanine 688 with threonine.
Molecular consequence: missense variant.
Genome position (GRCh38, 1-based): chr22:42,213,244, C>T on the plus strand (G>A on the coding strand, the complement: TCF20 is on the minus strand). VCF-style: chr22-42213244-C-T. GRCh37 (hg19) VCF-style: chr22-42609250-C-T.
Other names: c.2062G>A (NM_005650.1, NM_005650.3); c.2062G>A, p.Ala688Thr (NM_005650.4, NM_181492.3); short protein forms A688T.
Identifiers: ClinVar variation 2991690 (VCV002991690.7), dbSNP rs755315170, ClinGen allele CA10267073.